The following is an entry in ClinVar:

NM_032043.3(BRIP1):c.2493-13C>T

Gene: BRIP1 (BRCA1 interacting DNA helicase 1; minus strand). Cytogenetic location: 17q23.2.
Variant type: single nucleotide variant.
Coding change: c.2493-13C>T on transcript NM_032043.3 (MANE Select); 13 bases into the intron before coding-DNA position 2493, C replaced by T.
Molecular consequence: intron variant.
Genome position (GRCh38, 1-based): chr17:61,693,525, G>A on the plus strand (C>T on the coding strand, the complement: BRIP1 is on the minus strand). VCF-style: chr17-61693525-G-A. GRCh37 (hg19) VCF-style: chr17-59770886-G-A.
Identifiers: ClinVar variation 2137794 (VCV002137794.5), dbSNP rs1469404798, ClinGen allele CA626799012.

ClinVar aggregate classification (germline): Likely benign. Review status: criteria provided, multiple submitters, no conflicts (2 of 4 stars). 2 submissions from 2 submitters: Likely benign (2). Last evaluated 2025-11-18.

Conditions:
Familial cancer of breast. Also called: Hereditary breast cancer; hereditary breast carcinoma; BREAST CANCER, FAMILIAL. Identifiers: Orphanet 227535, MedGen C0346153, MONDO:0016419, OMIM 114480. Disease mechanism: loss of function.
Fanconi anemia complementation group J. Also called: BRIP1-Related Fanconi Anemia. Identifiers: Orphanet 84, MedGen C1836860, MONDO:0012187, OMIM 609054.

Allele frequency attached by ClinVar (database versions not stated): gnomAD exomes below 0.00001; TOPMed 0.00001.
gnomAD v4.1: 2 of 1,590,920 alleles (0.00013%); highest among the groups gnomAD compares: East Asian, 0.0022%; no homozygotes.

Submissions (2):

Labcorp Genetics (formerly Invitae), Labcorp
Classification: Likely benign for Familial cancer of breast; Fanconi anemia complementation group J. Last evaluated: 2025-11-18. Review status: criteria provided, single submitter. Criteria: Invitae Variant Classification Sherloc (09022015). Collection method: clinical testing. Allele origin: germline.

Myriad Genetics, Inc.
Classification: Likely benign for Familial cancer of breast. Last evaluated: 2024-09-05. Review status: criteria provided, single submitter. Criteria: Myriad Autosomal Dominant, Autosomal Recessive and X-Linked Classification Criteria (2023). Collection method: clinical testing. Allele origin: unknown.
Comment: This variant is considered likely benign. This variant is intronic and is not expected to impact mRNA splicing.